The following is an entry in ClinVar:

ClinVar aggregate classification (germline): Uncertain significance (1 of 4 stars; one submission).

Conditions:
Hereditary cancer-predisposing syndrome. Also called: Neoplastic Syndromes, Hereditary; Hereditary Cancer Syndrome; Hereditary neoplastic syndrome; Tumor predisposition. Identifiers: Orphanet 140162, MedGen C0027672, MeSH D009386, MONDO:0015356.

Submission:

Ambry Genetics
Classification: Uncertain significance for Hereditary cancer-predisposing syndrome. Last evaluated: 2023-03-21. Review status: criteria provided, single submitter. Criteria: Ambry Variant Classification Scheme 2023. Collection method: clinical testing. Allele origin: germline.
Comment: The p.Q100H variant (also known as c.300G>T), located in coding exon 4 of the PMS2 gene, results from a G to T substitution at nucleotide position 300. The glutamine at codon 100 is replaced by histidine, an amino acid with highly similar properties. This amino acid position is not well conserved in available vertebrate species. In addition, this alteration is predicted to be tolerated by in silico analysis. Since supporting evidence is limited at this time, the clinical significance of this alteration remains unclear.

NM_000535.7(PMS2):c.300G>T (p.Gln100His)

Gene: PMS2 (PMS1 homolog 2, mismatch repair system component; minus strand). Cytogenetic location: 7p22.1.
Variant type: single nucleotide variant.
Coding change: c.300G>T on transcript NM_000535.7 (MANE Select); coding-DNA position 300, G replaced by T.
Protein change: p.Gln100His; replaces glutamine 100 with histidine.
Molecular consequence: missense variant. On other transcripts: 5 prime UTR variant (35), non-coding transcript variant (1), intron variant (11).
Genome position (GRCh38, 1-based): chr7:6,003,743, C>A on the plus strand (G>T on the coding strand, the complement: PMS2 is on the minus strand). VCF-style: chr7-6003743-C-A. GRCh37 (hg19) VCF-style: chr7-6043374-C-A.
Other names: c.-106G>T (NM_001018040.1, NM_001322003.2, NM_001322004.2 and 14 more transcripts); c.300G>T, p.Gln100His (NM_001322006.2, NM_001322014.2, NM_001406869.1 and 8 more transcripts); c.-585G>T (NM_001322011.2, NM_001322012.2); c.-185G>T (NM_001322015.2, NM_001406875.1, NM_001406877.1 and 3 more transcripts); c.486G>T, p.Gln162His (NM_001406866.1); c.324G>T, p.Gln108His (NM_001406868.1); c.-132G>T (NM_001406880.1); c.-53G>T (NM_001406888.1, NM_001406889.1, NM_001406892.1 and 6 more transcripts); and 5 more; short protein forms Q100H, Q108H, Q162H.
Identifiers: ClinVar variation 2562210 (VCV002562210.2), dbSNP rs1064794102, ClinGen allele CA366744628.
Genomic context (GRCh38, chr7:6,003,743, plus strand): 5'-GTATCACCTCAGTGCACAAAGTGAGCTCAGAGCTTCCCCCCGAAAGCCAAAAGTTTCAAC[C>A]TGAGTTAGGTCGGCAAACTCTTGAATCTTAGATGTGTGATGTTTCAGAGCTGAAAGAGAG-3'
Protein context (NP_000526.2, residues 90-110): SKIQEFADLT[Gln100His]VETFGFRGEA